The following is an entry in ClinVar:

NM_007254.4(PNKP):c.1472T>C (p.Leu491Pro)

Gene: PNKP (polynucleotide kinase 3'-phosphatase; minus strand). Cytogenetic location: 19q13.33.
Variant type: single nucleotide variant.
Coding change: c.1472T>C on transcript NM_007254.4 (MANE Select); coding-DNA position 1472, T replaced by C.
Protein change: p.Leu491Pro; replaces leucine 491 with proline.
Molecular consequence: missense variant.
Genome position (GRCh38, 1-based): chr19:49,861,342, A>G on the plus strand (T>C on the coding strand, the complement: PNKP is on the minus strand). VCF-style: chr19-49861342-A-G. GRCh37 (hg19) VCF-style: chr19-50364599-A-G.
Other names: short protein forms L491P.
Identifiers: ClinVar variation 4770587 (VCV004770587.1).

ClinVar aggregate classification (germline): Uncertain significance (1 of 4 stars; one submission).

Conditions:
Developmental and epileptic encephalopathy, 12 (DEE12). Identifiers: MedGen C3150988, MONDO:0013389, OMIM 613722.

gnomAD v4.1: 2 of 1,614,166 alleles (0.00012%); highest among the groups gnomAD compares: Non-Finnish European, 0.00017%; no homozygotes.

Submission:

Labcorp Genetics (formerly Invitae), Labcorp
Classification: Uncertain significance for Developmental and epileptic encephalopathy, 12. Last evaluated: 2025-10-04. Review status: criteria provided, single submitter. Criteria: Invitae Variant Classification Sherloc (09022015). Collection method: clinical testing. Allele origin: germline.
Comment: This sequence change replaces leucine, which is neutral and non-polar, with proline, which is neutral and non-polar, at codon 491 of the PNKP protein (p.Leu491Pro). This variant is not present in population databases (gnomAD no frequency). This variant has not been reported in the literature in individuals affected with PNKP-related conditions. Invitae Evidence Modeling of protein sequence and biophysical properties (such as structural, functional, and spatial information, amino acid conservation, physicochemical variation, residue mobility, and thermodynamic stability) indicates that this missense variant is not expected to disrupt PNKP protein function with a negative predictive value of 80%. In summary, the available evidence is currently insufficient to determine the role of this variant in disease. Therefore, it has been classified as a Variant of Uncertain Significance.